The following is an entry in ClinVar:

NM_016203.4(PRKAG2):c.1616A>G (p.Asp539Gly)

Gene: PRKAG2 (protein kinase AMP-activated non-catalytic subunit gamma 2; minus strand). Cytogenetic location: 7q36.1.
Variant type: single nucleotide variant.
Coding change: c.1616A>G on transcript NM_016203.4 (MANE Select); coding-DNA position 1616, A replaced by G.
Protein change: p.Asp539Gly; replaces aspartic acid 539 with glycine.
Molecular consequence: missense variant.
Genome position (GRCh38, 1-based): chr7:151,560,586, T>C on the plus strand (A>G on the coding strand, the complement: PRKAG2 is on the minus strand). VCF-style: chr7-151560586-T-C. GRCh37 (hg19) VCF-style: chr7-151257672-T-C.
Other names: c.1484A>G, p.Asp495Gly (NM_001040633.2, NM_001407024.1); c.1241A>G, p.Asp414Gly (NM_001304527.2, NM_001407029.1); c.893A>G, p.Asp298Gly (NM_001304531.2, NM_001407034.1, NM_001407035.1 and 1 more transcripts); c.1244A>G, p.Asp415Gly (NM_001363698.2, NM_001407028.1); c.1616A>G, p.Asp539Gly (NM_001407021.1); c.1613A>G, p.Asp538Gly (NM_001407022.1, NM_001407023.1); c.1481A>G, p.Asp494Gly (NM_001407026.1, NM_001407027.1); c.1328A>G, p.Asp443Gly (NM_001407030.1); and 6 more; short protein forms D297G, D415G, D495G, D538G, D539G, D314G, D414G, D433G.
Identifiers: ClinVar variation 3309942 (VCV003309942.1).

ClinVar aggregate classification (germline): Uncertain significance (1 of 4 stars; one submission).

Conditions:
Cardiovascular phenotype. Identifiers: MedGen CN230736.

gnomAD v4.1: 1 of 1,613,922 alleles (0.000062%); highest among the groups gnomAD compares: Non-Finnish European, 0.000085%; no homozygotes.

Submission:

Ambry Genetics
Classification: Uncertain significance for Cardiovascular phenotype. Last evaluated: 2024-03-21. Review status: criteria provided, single submitter. Criteria: Ambry Variant Classification Scheme 2023. Collection method: clinical testing. Allele origin: germline.
Comment: The p.D539G variant (also known as c.1616A>G), located in coding exon 15 of the PRKAG2 gene, results from an A to G substitution at nucleotide position 1616. The aspartic acid at codon 539 is replaced by glycine, an amino acid with similar properties. This amino acid position is conserved. In addition, the in silico prediction for this alteration is inconclusive. Based on the available evidence, the clinical significance of this alteration remains unclear.